The following is an entry in ClinVar:

ClinVar aggregate classification (germline): Conflicting classifications of pathogenicity. Review status: criteria provided, conflicting classifications (1 of 4 stars). 4 submissions from 4 submitters: Uncertain significance (1); Likely benign (2). 1 of the submissions does not count toward it. Last evaluated 2026-01-08.

Conditions:
TH-deficient dopa-responsive dystonia. Also called: Tyrosine Hydroxylase-Deficient Dopa-Responsive Dystonia; DYT-TH; Segawa syndrome, autosomal recessive. Identifiers: Orphanet 101150, MedGen C2673535, MONDO:0011551, OMIM 605407.
Inborn genetic diseases. Identifiers: MedGen C0950123, MeSH D030342.

Allele frequency attached by ClinVar (database versions not stated): TOPMed 0.00002; gnomAD 0.00011 and 0.00001; ExAC 0.00025; 1000 Genomes Project 0.00060; 1000 Genomes Project 30x 0.00062.
gnomAD v4.1: 197 of 1,611,684 alleles (0.012%); highest among the groups gnomAD compares: South Asian, 0.2%; 1 homozygote.

Submissions (4):

Labcorp Genetics (formerly Invitae), Labcorp
Classification: Likely benign for TH-deficient dopa-responsive dystonia. Last evaluated: 2026-01-08. Review status: criteria provided, single submitter. Criteria: Invitae Variant Classification Sherloc (09022015). Collection method: clinical testing. Allele origin: germline.

Mayo Clinic Laboratories, Mayo Clinic
Classification: Likely benign. Last evaluated: 2025-07-16. Review status: criteria provided, single submitter. Criteria: ACMG Guidelines, 2015. Collection method: clinical testing. Allele origin: germline. Observed: 1 variant allele.
Comment: BS1

Ambry Genetics
Classification: Uncertain significance for Inborn genetic diseases. Last evaluated: 2024-07-05. Review status: criteria provided, single submitter. Criteria: Ambry Variant Classification Scheme 2023. Collection method: clinical testing. Allele origin: germline.

Natera, Inc.
Classification: Likely benign for Autosomal recessive Segawa syndrome. Last evaluated: 2020-08-07. Review status: no assertion criteria provided. Collection method: clinical testing. Allele origin: germline. Not counted in ClinVar's aggregate classification.

NM_000360.4(TH):c.582C>A (p.Phe194Leu)

Gene: TH (tyrosine hydroxylase; minus strand). Cytogenetic location: 11p15.5.
Variant type: single nucleotide variant.
Coding change: c.582C>A on transcript NM_000360.4 (MANE Select); coding-DNA position 582, C replaced by A.
Protein change: p.Phe194Leu; replaces phenylalanine 194 with leucine.
Molecular consequence: missense variant.
Genome position (GRCh38, 1-based): chr11:2,167,928, G>T on the plus strand (C>A on the coding strand, the complement: TH is on the minus strand). VCF-style: chr11-2167928-G-T. GRCh37 (hg19) VCF-style: chr11-2189158-G-T.
Other names: p.Phe225Leu; c.675C>A, p.Phe225Leu (NM_199292.3); c.663C>A, p.Phe221Leu (NM_199293.3); short protein forms F225L, F194L, F221L.
Identifiers: ClinVar variation 706645 (VCV000706645.17), dbSNP rs555133070, ClinGen allele CA5818586.